The following is an entry in ClinVar:

ClinVar aggregate classification (germline): Conflicting classifications of pathogenicity. Review status: criteria provided, conflicting classifications (1 of 4 stars). 3 submissions from 3 submitters: Uncertain significance (2); Likely benign (1). Last evaluated 2023-12-31.

Conditions:
Adams-Oliver syndrome 5 (AOS5). Identifiers: Orphanet 974, MedGen C4014970, MONDO:0014459, OMIM 616028.
Aortic valve disease 1 (AOVD1). Identifiers: MedGen C3887892, MONDO:0024523, OMIM 109730.
Familial thoracic aortic aneurysm and aortic dissection (TAAD). Also called: Thoracic aortic aneurysms and dissections. Identifiers: Orphanet 91387, MedGen C4707243, MONDO:0019625.

Allele frequency attached by ClinVar (database versions not stated): gnomAD exomes below 0.00001 and 0.00001; ExAC 0.00001; gnomAD 0.00001; TOPMed 0.00002.
gnomAD v4.1: 8 of 1,613,122 alleles (0.0005%); highest among the groups gnomAD compares: Non-Finnish European, 0.00059%; no homozygotes.

Submissions (3):

Ambry Genetics
Classification: Uncertain significance for Familial thoracic aortic aneurysm and aortic dissection. Last evaluated: 2023-12-31. Review status: criteria provided, single submitter. Criteria: Ambry Variant Classification Scheme 2023. Collection method: clinical testing. Allele origin: germline.
Comment: The p.D2020N variant (also known as c.6058G>A), located in coding exon 32 of the NOTCH1 gene, results from a G to A substitution at nucleotide position 6058. The aspartic acid at codon 2020 is replaced by asparagine, an amino acid with highly similar properties. This amino acid position is conserved. In addition, this alteration is predicted to be tolerated by in silico analysis. Since supporting evidence is limited at this time, the clinical significance of this alteration remains unclear.

Labcorp Genetics (formerly Invitae), Labcorp
Classification: Likely benign for Adams-Oliver syndrome 5. Last evaluated: 2023-06-09. Review status: criteria provided, single submitter. Criteria: Invitae Variant Classification Sherloc (09022015). Collection method: clinical testing. Allele origin: germline.

Fulgent Genetics
Classification: Uncertain significance for Aortic valve disease 1; Adams-Oliver syndrome 5. Last evaluated: 2022-04-25. Review status: criteria provided, single submitter. Criteria: ACMG Guidelines, 2015. Collection method: clinical testing. Allele origin: unknown.

NM_017617.5(NOTCH1):c.6058G>A (p.Asp2020Asn)

Genes: NOTCH1 (notch receptor 1; minus strand), LOC126860794 (BRD4-independent group 4 enhancer GRCh37_chr9:139392592-139393791; plus strand). Cytogenetic location: 9q34.3.
Variant type: single nucleotide variant.
Coding change: c.6058G>A on transcript NM_017617.5 (MANE Select); coding-DNA position 6058, G replaced by A.
Protein change: p.Asp2020Asn; replaces aspartic acid 2020 with asparagine.
Molecular consequence: missense variant.
Genome position (GRCh38, 1-based): chr9:136,499,136, C>T on the plus strand (G>A on the coding strand, the complement: NOTCH1 is on the minus strand). VCF-style: chr9-136499136-C-T. GRCh37 (hg19) VCF-style: chr9-139393588-C-T.
Other names: c.6058G>A, p.Asp2020Asn (LRG_1122t1); short protein forms D2020N.
Identifiers: ClinVar variation 409043 (VCV000409043.13), dbSNP rs752928106, ClinGen allele CA5340053.